The following is an entry in ClinVar:

NM_001283009.2(RTEL1):c.1348+6G>T

Genes: RTEL1 (regulator of telomere elongation helicase 1; plus strand), RTEL1-TNFRSF6B (RTEL1-TNFRSF6B readthrough (NMD candidate); plus strand). Cytogenetic location: 20q13.33.
Variant type: single nucleotide variant.
Coding change: c.1348+6G>T on transcript NM_001283009.2 (MANE Select); 6 bases into the intron after coding-DNA position 1348, G replaced by T.
Molecular consequence: intron variant.
Genome position (GRCh38, 1-based): chr20:63,685,878, G>T. VCF-style: chr20-63685878-G-T. GRCh37 (hg19) VCF-style: chr20-62317231-G-T.
Other names: c.679+6G>T (NM_001283010.1); c.1420+6G>T (NM_032957.5); c.1348+6G>T (NM_016434.4).
Identifiers: ClinVar variation 1428516 (VCV001428516.6), dbSNP rs371358328, ClinGen allele CA317505981.

ClinVar aggregate classification (germline): Uncertain significance (1 of 4 stars; one submission).

Conditions:
Dyskeratosis congenita, autosomal recessive 5 (DKCB5). Identifiers: MedGen C3554656, MONDO:0014076, OMIM 615190.
Pulmonary fibrosis and/or bone marrow failure, Telomere-related, 3. Also called: PULMONARY FIBROSIS AND/OR BONE MARROW FAILURE SYNDROME, TELOMERE-RELATED, 3. Identifiers: Orphanet 2032, MedGen C4225346, MONDO:0014613, OMIM 616373.

gnomAD v4.1: 6 of 1,611,948 alleles (0.00037%); highest among the groups gnomAD compares: Non-Finnish European, 0.00051%; no homozygotes.

Submission:

Labcorp Genetics (formerly Invitae), Labcorp
Classification: Uncertain significance for Dyskeratosis congenita, autosomal recessive 5; Pulmonary fibrosis and/or bone marrow failure, Telomere-related, 3. Last evaluated: 2022-10-24. Review status: criteria provided, single submitter. Criteria: Invitae Variant Classification Sherloc (09022015). Collection method: clinical testing. Allele origin: germline.
Comment: Variants that disrupt the consensus splice site are a relatively common cause of aberrant splicing (PMID: 17576681, 9536098). Algorithms developed to predict the effect of sequence changes on RNA splicing suggest that this variant is not likely to affect RNA splicing. This sequence change falls in intron 16 of the RTEL1 gene. It does not directly change the encoded amino acid sequence of the RTEL1 protein. It affects a nucleotide within the consensus splice site. This variant is not present in population databases (gnomAD no frequency). This variant has not been reported in the literature in individuals affected with RTEL1-related conditions. ClinVar contains an entry for this variant (Variation ID: 1428516). In summary, the available evidence is currently insufficient to determine the role of this variant in disease. Therefore, it has been classified as a Variant of Uncertain Significance.

Literature cited by the submitters: PubMed 17576681; PubMed 9536098.